The following is an entry in ClinVar:

ClinVar aggregate classification (germline): Likely benign. Review status: criteria provided, single submitter (1 of 4 stars). 2 submissions from 2 submitters: Likely benign (1). 1 of the submissions does not count toward it. Last evaluated 2018-05-08.

Conditions:
GRIK5-related disorder. Also called: GRIK5-related condition.

Allele frequency attached by ClinVar (database versions not stated): gnomAD exomes 0.00003 and 0.00009; ExAC 0.00008; gnomAD 0.00022 and 0.00024; TOPMed 0.00022; ESP Exome Variant Server 0.00031; 1000 Genomes Project 0.00060; 1000 Genomes Project 30x 0.00094.
gnomAD v4.1: 77 of 1,605,812 alleles (0.0048%); highest among the groups gnomAD compares: African/African-American, 0.098%; no homozygotes.

Submissions (2):

Labcorp Genetics (formerly Invitae), Labcorp
Classification: Likely benign. Last evaluated: 2018-05-08. Review status: criteria provided, single submitter. Criteria: Invitae Variant Classification Sherloc (09022015). Collection method: clinical testing. Allele origin: germline.

PreventionGenetics, part of Exact Sciences
Classification: Likely benign for GRIK5-related condition. Last evaluated: 2019-08-21. Review status: no assertion criteria provided. Collection method: clinical testing. Allele origin: germline. Not counted in ClinVar's aggregate classification.
Comment: This variant is classified as likely benign based on ACMG/AMP sequence variant interpretation guidelines (Richards et al. 2015 PMID: 25741868, with internal and published modifications).

NM_002088.5(GRIK5):c.1167G>A (p.Gly389=)

Gene: GRIK5 (glutamate ionotropic receptor kainate type subunit 5; minus strand). Cytogenetic location: 19q13.2.
Variant type: single nucleotide variant.
Coding change: c.1167G>A on transcript NM_002088.5 (MANE Select); coding-DNA position 1167, G replaced by A.
Protein change: p.Gly389=; no amino-acid change (glycine 389 retained).
Molecular consequence: synonymous variant.
Genome position (GRCh38, 1-based): chr19:42,053,704, C>T on the plus strand (G>A on the coding strand, the complement: GRIK5 is on the minus strand). VCF-style: chr19-42053704-C-T. GRCh37 (hg19) VCF-style: chr19-42557856-C-T.
Other names: c.1167G>A, p.Gly389= (NM_001301030.2); c.1167G>A (NM_002088.4).
Identifiers: ClinVar variation 710767 (VCV000710767.5), dbSNP rs141898879, ClinGen allele CA9468468.